The following is an entry in ClinVar:

ClinVar aggregate classification (germline): Uncertain significance (1 of 4 stars; one submission).

Conditions:
Muscle AMP deaminase deficiency (MMDD). Also called: ADENOSINE MONOPHOSPHATE DEAMINASE-1 DEFICIENCY, MYOPATHY DUE TO; AMPD1 DEFICIENCY; Myoadenylate deaminase deficiency, myopathy due to; Adenosine monophosphate deaminase 1 deficiency; AMP deaminase 1 deficiency; Adenosine Monophosphate Deaminase 1. Identifiers: Orphanet 45, MedGen C3714933, MONDO:0014220, OMIM 615511.

gnomAD v4.1: 1 of 1,614,180 alleles (0.000062%); highest among the groups gnomAD compares: Non-Finnish European, 0.000085%; no homozygotes.

Submission:

Labcorp Genetics (formerly Invitae), Labcorp
Classification: Uncertain significance for Muscle AMP deaminase deficiency. Last evaluated: 2022-01-16. Review status: criteria provided, single submitter. Criteria: Invitae Variant Classification Sherloc (09022015). Collection method: clinical testing. Allele origin: germline.
Comment: This variant has not been reported in the literature in individuals affected with AMPD1-related conditions. This sequence change replaces arginine, which is basic and polar, with leucine, which is neutral and non-polar, at codon 51 of the AMPD1 protein (p.Arg51Leu). This variant is not present in population databases (gnomAD no frequency). Algorithms developed to predict the effect of missense changes on protein structure and function (SIFT, PolyPhen-2, Align-GVGD) all suggest that this variant is likely to be tolerated. In summary, the available evidence is currently insufficient to determine the role of this variant in disease. Therefore, it has been classified as a Variant of Uncertain Significance.

NM_000036.3(AMPD1):c.53G>T (p.Arg18Leu)

Gene: AMPD1 (adenosine monophosphate deaminase 1; minus strand). Cytogenetic location: 1p13.2.
Variant type: single nucleotide variant.
Coding change: c.53G>T on transcript NM_000036.3 (MANE Select); coding-DNA position 53, G replaced by T.
Protein change: p.Arg18Leu; replaces arginine 18 with leucine.
Molecular consequence: missense variant.
Genome position (GRCh38, 1-based): chr1:114,688,723, C>A on the plus strand (G>T on the coding strand, the complement: AMPD1 is on the minus strand). VCF-style: chr1-114688723-C-A. GRCh37 (hg19) VCF-style: chr1-115231344-C-A.
Other names: c.41G>T, p.Arg14Leu (NM_001172626.2); short protein forms R14L, R18L.
Identifiers: ClinVar variation 1954399 (VCV001954399.5), dbSNP rs140601541, ClinGen allele CA341734053.